The following is an entry in ClinVar:

ClinVar aggregate classification (germline): Likely pathogenic (1 of 4 stars; one submission).

Conditions:
CHARGE syndrome (CHARGE). Also called: Hittner Hirsch Kreh syndrome; Coloboma, heart anomaly, choanal atresia, retardation, genital and ear anomalies; CHARGE association; Hall-Hittner syndrome; CHARGE ASSOCIATION--COLOBOMA, HEART ANOMALY, CHOANAL ATRESIA, RETARDATION, GENITAL AND EAR ANOMALIES. Identifiers: Orphanet 138, MedGen C0265354, MONDO:0008965.

Submission:

Labcorp Genetics (formerly Invitae), Labcorp
Classification: Likely pathogenic for CHARGE syndrome. Last evaluated: 2017-09-30. Review status: criteria provided, single submitter. Criteria: Invitae Variant Classification Sherloc (09022015). Collection method: clinical testing. Allele origin: germline.
Comment: This sequence change affects a donor splice site in intron 36 of the CHD7 gene. It is expected to disrupt RNA splicing and likely results in an absent or disrupted protein product. This variant is not present in population databases (ExAC no frequency). In summary, the currently available evidence indicates that the variant is pathogenic, but additional data are needed to prove that conclusively. Therefore, this variant has been classified as Likely Pathogenic. Donor and acceptor splice site variants typically lead to a loss of protein function (PMID: 16199547), and loss-of-function variants in CHD7 are known to be pathogenic (PMID: 22461308, 25077900). Algorithms developed to predict the effect of sequence changes on RNA splicing suggest that this variant may disrupt the consensus splice site, but this prediction has not been confirmed by published transcriptional studies. This variant has not been reported in the literature in individuals with CHD7-related disease.

Literature cited by the submitters: PubMed 16199547; PubMed 22461308; PubMed 25077900.

NM_017780.4(CHD7):c.7971+1G>T

Gene: CHD7 (chromodomain helicase DNA binding protein 7; plus strand). Cytogenetic location: 8q12.2.
Variant type: single nucleotide variant.
Coding change: c.7971+1G>T on transcript NM_017780.4 (MANE Select); the canonical splice donor site of the intron after coding-DNA position 7971, G replaced by T.
Molecular consequence: splice donor variant.
Genome position (GRCh38, 1-based): chr8:60,862,337, G>T. VCF-style: chr8-60862337-G-T. GRCh37 (hg19) VCF-style: chr8-61774896-G-T.
Other names: c.1824+1G>T (NM_001316690.1).
Identifiers: ClinVar variation 529117 (VCV000529117.7), dbSNP rs1554606274, ClinGen allele CA371305749.
Genomic context (GRCh38, chr8:60,862,337, plus strand): 5'-ATAAACACTTTGACAGGAGAAGAAAGGGTGCCTGTTGTCAATAAACGAAATGGGAAGAAG[G>T]TAAACGCTGGGAAAGGGAATTGATCACTATGCGATTTCTTAGCCCAGAAGGAAGTGTTTT-3'